The following is an entry in ClinVar:

ClinVar aggregate classification (germline): Uncertain significance. Review status: criteria provided, multiple submitters, no conflicts (2 of 4 stars). 2 submissions from 2 submitters: Uncertain significance (2). Last evaluated 2025-10-21.

Conditions:
Duchenne muscular dystrophy (DMD). Also called: MUSCULAR DYSTROPHY, PSEUDOHYPERTROPHIC PROGRESSIVE, DUCHENNE TYPE; Duchenne Muscular Dystrophy (DMD). Identifiers: Orphanet 98896, MedGen C0013264, MONDO:0010679, OMIM 310200.
Cardiovascular phenotype. Identifiers: MedGen CN230736.

Allele frequency attached by ClinVar (database versions not stated): gnomAD exomes below 0.00001; TOPMed 0.00001.
gnomAD v4.1: 1 of 1,211,558 alleles (0.000083%); highest among the groups gnomAD compares: African/African-American, 0.0017%; no homozygotes.

Submissions (2):

Labcorp Genetics (formerly Invitae), Labcorp
Classification: Uncertain significance for Duchenne muscular dystrophy. Last evaluated: 2025-10-21. Review status: criteria provided, single submitter. Criteria: Invitae Variant Classification Sherloc (09022015). Collection method: clinical testing. Allele origin: germline.
Comment: This sequence change replaces aspartic acid, which is acidic and polar, with glutamic acid, which is acidic and polar, at codon 2629 of the DMD protein (p.Asp2629Glu). This variant is present in population databases (no rsID available, gnomAD 0.008%). This variant has not been reported in the literature in individuals affected with DMD-related conditions. ClinVar contains an entry for this variant (Variation ID: 1761023). Invitae Evidence Modeling of protein sequence and biophysical properties (such as structural, functional, and spatial information, amino acid conservation, physicochemical variation, residue mobility, and thermodynamic stability) indicates that this missense variant is not expected to disrupt DMD protein function with a negative predictive value of 95%. In summary, the available evidence is currently insufficient to determine the role of this variant in disease. Therefore, it has been classified as a Variant of Uncertain Significance.

Ambry Genetics
Classification: Uncertain significance for Cardiovascular phenotype. Last evaluated: 2022-06-29. Review status: criteria provided, single submitter. Criteria: Ambry Variant Classification Scheme 2023. Collection method: clinical testing. Allele origin: germline.
Comment: The p.D2629E variant (also known as c.7887C>G), located in coding exon 54 of the DMD gene, results from a C to G substitution at nucleotide position 7887. The aspartic acid at codon 2629 is replaced by glutamic acid, an amino acid with highly similar properties. Based on data from gnomAD, the G allele has an overall frequency of 0.0005% (1/183237) total alleles studied, with 0 hemizygote(s) observed. The highest observed frequency was 0.0076% (1/13161) of African/ African American alleles. This amino acid position is not well conserved in available vertebrate species. In addition, this alteration is predicted to be tolerated by in silico analysis. Since supporting evidence is limited at this time, the clinical significance of this alteration remains unclear.

NM_004006.3(DMD):c.7887C>G (p.Asp2629Glu)

Gene: DMD (dystrophin; minus strand). Cytogenetic location: Xp21.1.
Variant type: single nucleotide variant.
Coding change: c.7887C>G on transcript NM_004006.3 (MANE Select); coding-DNA position 7887, C replaced by G.
Protein change: p.Asp2629Glu; replaces aspartic acid 2629 with glutamic acid.
Molecular consequence: missense variant.
Genome position (GRCh38, 1-based): chrX:31,658,130, G>C on the plus strand (C>G on the coding strand, the complement: DMD is on the minus strand). VCF-style: chrX-31658130-G-C. GRCh37 (hg19) VCF-style: chrX-31676247-G-C.
Other names: c.3855C>G, p.Asp1285Glu (NM_004012.4); c.507C>G, p.Asp169Glu (NM_004013.3, NM_004020.4, NM_004021.3 and 2 more transcripts); c.7863C>G, p.Asp2621Glu (NM_000109.4); c.7875C>G, p.Asp2625Glu (NM_004009.3); c.7518C>G, p.Asp2506Glu (NM_004010.3); c.3864C>G, p.Asp1288Glu (NM_004011.4); short protein forms D1285E, D1288E, D169E, D2506E, D2621E, D2625E, D2629E.
Identifiers: ClinVar variation 1761023 (VCV001761023.3), dbSNP rs1388762712, ClinGen allele CA412656021.